The following is an entry in ClinVar:

NM_001376232.1(ZP2):c.2095+2T>C

Gene: ZP2 (zona pellucida glycoprotein 2; minus strand). Cytogenetic location: 16p12.3.
Variant type: single nucleotide variant.
Coding change: c.2095+2T>C on transcript NM_001376232.1 (MANE Select); the canonical splice donor site of the intron after coding-DNA position 2095, T replaced by C.
Molecular consequence: splice donor variant.
Genome position (GRCh38, 1-based): chr16:21,197,764, A>G on the plus strand (T>C on the coding strand, the complement: ZP2 is on the minus strand). VCF-style: chr16-21197764-A-G. GRCh37 (hg19) VCF-style: chr16-21209085-A-G.
Other names: c.2068+2T>C (NM_001376231.1); c.2128+2T>C (NM_001376233.1); c.2095+2T>C (NM_003460.2).
Identifiers: ClinVar variation 3382901 (VCV003382901.2).

ClinVar aggregate classification (germline): Uncertain significance (1 of 4 stars; one submission).

Conditions:
Oocyte maturation defect 6. Also called: OOCYTE/ZYGOTE/EMBRYO MATURATION ARREST 6. Identifiers: MedGen C5193047, MONDO:0032696, OMIM 618353.

gnomAD v4.1: 2 of 1,614,114 alleles (0.00012%); highest among the groups gnomAD compares: South Asian, 0.0011%; no homozygotes.

Submission:

Juno Genomics, Hangzhou Juno Genomics, Inc
Classification: Uncertain significance for Oocyte maturation defect 6. Review status: criteria provided, single submitter. Criteria: ACMG Guidelines, 2015. Collection method: clinical testing. Allele origin: germline. Affected: yes.
Comment: Absent from controls (or at extremely low frequency if recessive) in Genome Aggregation Database, Exome Sequencing Project, 1000 Genomes Project, or Exome Aggregation Consortium.;Patient's phenotype or family history is highly specific for a disease with a single genetic etiology.;Null variant in a gene where loss of function (LOF) is a known mechanism of disease.